The following is an entry in ClinVar:

ClinVar aggregate classification (germline): Likely benign (1 of 4 stars; one submission).

Allele frequency attached by ClinVar (database versions not stated): 1000 Genomes Project 30x 0.00328; 1000 Genomes Project 0.00339; TOPMed 0.00877; gnomAD 0.00984 and 0.01010; gnomAD exomes 0.01037.
gnomAD v4.1: 5,052 of 494,778 alleles (1%); highest among the groups gnomAD compares: Non-Finnish European, 1.5%; 48 homozygotes.

Submission:

GeneDx
Classification: Likely benign. Last evaluated: 2018-06-16. Review status: criteria provided, single submitter. Criteria: GeneDx Variant Classification (06012015). Collection method: clinical testing. Allele origin: germline. Affected: yes.
Comment: This variant is considered likely benign or benign based on one or more of the following criteria: it is a conservative change, it occurs at a poorly conserved position in the protein, it is predicted to be benign by multiple in silico algorithms, and/or has population frequency not consistent with disease.

NM_080680.3(COL11A2):c.876+128T>C

Gene: COL11A2 (collagen type XI alpha 2 chain; minus strand). Cytogenetic location: 6p21.32.
Variant type: single nucleotide variant.
Coding change: c.876+128T>C on transcript NM_080680.3 (MANE Select); 128 bases into the intron after coding-DNA position 876, T replaced by C.
Molecular consequence: intron variant.
Genome position (GRCh38, 1-based): chr6:33,185,573, A>G on the plus strand (T>C on the coding strand, the complement: COL11A2 is on the minus strand). VCF-style: chr6-33185573-A-G. GRCh37 (hg19) VCF-style: chr6-33153350-A-G.
Other names: c.798+1054T>C (NM_080679.3); c.799-519T>C (NM_080681.3).
Identifiers: ClinVar variation 679077 (VCV000679077.1), dbSNP rs139969885, ClinGen allele CA137053349.
Genomic context (GRCh38, chr6:33,185,573, plus strand): 5'-CTGTGGTGGGGGCTCCCAGGGCGCTGCAGCAGAGAGACAGGGAGGGGGCAGGAACTAAGT[A>G]AATCCCCATAATCTAAACACACTGTGCCTCTCCCCACGGCATGGGGGAGGGGAGGAAGGT-3'